The following is an entry in ClinVar:

ClinVar aggregate classification (germline): Conflicting classifications of pathogenicity. Review status: criteria provided, conflicting classifications (1 of 4 stars). 2 submissions from 2 submitters: Uncertain significance (1); Likely benign (1). Last evaluated 2023-12-27.

Allele frequency attached by ClinVar (database versions not stated): gnomAD exomes 0.00002 and 0.00004; ExAC 0.00004; ESP Exome Variant Server 0.00025; 1000 Genomes Project 30x 0.00031; TOPMed 0.00031; 1000 Genomes Project 0.00040.
gnomAD v4.1: 72 of 1,614,220 alleles (0.0045%); highest among the groups gnomAD compares: African/African-American, 0.084%; no homozygotes.

Submissions (2):

Blueprint Genetics
Classification: Likely benign. Last evaluated: 2023-12-27. Review status: criteria provided, single submitter. Criteria: ACMG Guidelines, 2015. Collection method: clinical testing. Allele origin: germline.

Labcorp Genetics (formerly Invitae), Labcorp
Classification: Uncertain significance. Last evaluated: 2022-09-06. Review status: criteria provided, single submitter. Criteria: Invitae Variant Classification Sherloc (09022015). Collection method: clinical testing. Allele origin: germline.
Comment: This sequence change replaces serine, which is neutral and polar, with phenylalanine, which is neutral and non-polar, at codon 2254 of the GPR179 protein (p.Ser2254Phe). This variant is present in population databases (rs150811301, gnomAD 0.09%). This variant has not been reported in the literature in individuals affected with GPR179-related conditions. ClinVar contains an entry for this variant (Variation ID: 1463081). Algorithms developed to predict the effect of missense changes on protein structure and function output the following: SIFT: "Tolerated"; PolyPhen-2: "Benign"; Align-GVGD: "Class C0". The phenylalanine amino acid residue is found in multiple mammalian species, which suggests that this missense change does not adversely affect protein function. In summary, the available evidence is currently insufficient to determine the role of this variant in disease. Therefore, it has been classified as a Variant of Uncertain Significance.

NM_001004334.4(GPR179):c.6761C>T (p.Ser2254Phe)

Gene: GPR179 (G protein-coupled receptor 179; minus strand). Cytogenetic location: 17q12.
Variant type: single nucleotide variant.
Coding change: c.6761C>T on transcript NM_001004334.4 (MANE Select); coding-DNA position 6761, C replaced by T.
Protein change: p.Ser2254Phe; replaces serine 2254 with phenylalanine.
Molecular consequence: missense variant.
Genome position (GRCh38, 1-based): chr17:38,326,808, G>A on the plus strand (C>T on the coding strand, the complement: GPR179 is on the minus strand). VCF-style: chr17-38326808-G-A. GRCh37 (hg19) VCF-style: chr17-36482691-G-A.
Other names: short protein forms S2254F.
Identifiers: ClinVar variation 1463081 (VCV001463081.4), dbSNP rs150811301, ClinGen allele CA290102816.